The following is an entry in ClinVar:

NM_022132.5(MCCC2):c.450G>C (p.Val150=)

Gene: MCCC2 (methylcrotonyl-CoA carboxylase subunit 2; plus strand). Cytogenetic location: 5q13.2.
Variant type: single nucleotide variant.
Coding change: c.450G>C on transcript NM_022132.5 (MANE Select); coding-DNA position 450, G replaced by C.
Protein change: p.Val150=; no amino-acid change (valine 150 retained).
Molecular consequence: synonymous variant.
Genome position (GRCh38, 1-based): chr5:71,602,572, G>C. VCF-style: chr5-71602572-G-C. GRCh37 (hg19) VCF-style: chr5-70898399-G-C.
Other names: c.450G>C, p.Val150= (NM_001363147.1).
Identifiers: ClinVar variation 705621 (VCV000705621.14), dbSNP rs151098534, ClinGen allele CA3297781.
Genomic context (GRCh38, chr5:71,602,572, plus strand): 5'-ATGCATGATTATTGCCAATGATGCCACCGTCAAAGGAGGTGCCTACTACCCAGTGACTGT[G>C]AAAAAACAATTACGGGCCCAAGAAATTGCCATGCAAAACAGGCTCCCCTGCATCTACTTA-3'
Protein context (NP_071415.1, residues 140-160): VKGGAYYPVT[Val150=]KKQLRAQEIA

ClinVar aggregate classification (germline): Benign. Review status: criteria provided, single submitter (1 of 4 stars). 3 submissions from 3 submitters: Benign (1). 2 of the submissions do not count toward it. Last evaluated 2026-01-24.

Conditions:
3-methylcrotonyl-CoA carboxylase 2 deficiency. Also called: METHYLCROTONYLGLYCINURIA, TYPE II; 3 alpha methylcrotonyl-CoA carboxylase 2 deficiency; 3 alpha methylcrotonylglycinuria 2; MCC 2 deficiency; Methylcrotonylglycinuria type 2. Identifiers: Orphanet 6, MedGen C1859499, MONDO:0008862, OMIM 210210.
MCCC2-related disorder. Also called: MCCC2-related condition.

Allele frequency attached by ClinVar (database versions not stated): gnomAD exomes 0.00011 and 0.00029; 1000 Genomes Project 0.00020; 1000 Genomes Project 30x 0.00031; ExAC 0.00034; gnomAD 0.00111 and 0.00121; ESP Exome Variant Server 0.00131; TOPMed 0.00134.
gnomAD v4.1: 338 of 1,614,142 alleles (0.021%); highest among the groups gnomAD compares: African/African-American, 0.42%; 1 homozygote.

Submissions (3):

Labcorp Genetics (formerly Invitae), Labcorp
Classification: Benign for 3-methylcrotonyl-CoA carboxylase 2 deficiency. Last evaluated: 2026-01-24. Review status: criteria provided, single submitter. Criteria: Invitae Variant Classification Sherloc (09022015). Collection method: clinical testing. Allele origin: germline.

Natera, Inc.
Classification: Uncertain significance for 3-methylcrotonyl-CoA carboxylase 2 deficiency. Last evaluated: 2020-02-13. Review status: no assertion criteria provided. Collection method: clinical testing. Allele origin: germline. Not counted in ClinVar's aggregate classification.

PreventionGenetics, part of Exact Sciences
Classification: Likely benign for MCCC2-related condition. Last evaluated: 2019-07-11. Review status: no assertion criteria provided. Collection method: clinical testing. Allele origin: germline. Not counted in ClinVar's aggregate classification.
Comment: This variant is classified as likely benign based on ACMG/AMP sequence variant interpretation guidelines (Richards et al. 2015 PMID: 25741868, with internal and published modifications).